The following is an entry in ClinVar:

ClinVar aggregate classification (germline): Uncertain significance (1 of 4 stars; one submission).

Allele frequency attached by ClinVar (database versions not stated): TOPMed below 0.00001; ExAC 0.00002; gnomAD 0.00003; gnomAD exomes 0.00003.
gnomAD v4.1: 53 of 1,576,306 alleles (0.0034%); highest among the groups gnomAD compares: Non-Finnish European, 0.0044%; no homozygotes.

Submission:

Labcorp Genetics (formerly Invitae), Labcorp
Classification: Uncertain significance. Last evaluated: 2022-10-27. Review status: criteria provided, single submitter. Criteria: Invitae Variant Classification Sherloc (09022015). Collection method: clinical testing. Allele origin: germline.
Comment: This variant has not been reported in the literature in individuals affected with LIPI-related conditions. This sequence change replaces phenylalanine, which is neutral and non-polar, with cysteine, which is neutral and slightly polar, at codon 415 of the LIPI protein (p.Phe415Cys). This variant is present in population databases (rs775110265, gnomAD 0.005%). Algorithms developed to predict the effect of missense changes on protein structure and function are either unavailable or do not agree on the potential impact of this missense change (SIFT: "Deleterious"; PolyPhen-2: "Possibly Damaging"; Align-GVGD: "Class C0"). In summary, the available evidence is currently insufficient to determine the role of this variant in disease. Therefore, it has been classified as a Variant of Uncertain Significance.

NM_001302998.2(LIPI):c.1181T>G (p.Phe394Cys)

Gene: LIPI (lipase I; minus strand). Cytogenetic location: 21q11.2.
Variant type: single nucleotide variant.
Coding change: c.1181T>G on transcript NM_001302998.2 (MANE Select); coding-DNA position 1181, T replaced by G.
Protein change: p.Phe394Cys; replaces phenylalanine 394 with cysteine.
Molecular consequence: missense variant. On other transcripts: intron variant (1).
Genome position (GRCh38, 1-based): chr21:14,144,737, A>C on the plus strand (T>G on the coding strand, the complement: LIPI is on the minus strand). VCF-style: chr21-14144737-A-C. GRCh37 (hg19) VCF-style: chr21-15517058-A-C.
Other names: c.1091T>G, p.Phe364Cys (NM_001302999.2); c.1163T>G, p.Phe388Cys (NM_001303000.2); c.1076T>G, p.Phe359Cys (NM_001379565.1); c.686T>G, p.Phe229Cys (NM_001379566.1); c.1046T>G, p.Phe349Cys (NM_198996.4); c.1006+18682T>G (NM_001303001.2); short protein forms F364C, F394C, F229C, F349C, F388C, F359C.
Identifiers: ClinVar variation 2997207 (VCV002997207.3), dbSNP rs775110265, ClinGen allele CA9979380.